The following is an entry in ClinVar:

ClinVar aggregate classification (germline): Likely benign (1 of 4 stars; one submission).

Conditions:
Mitochondrial complex IV deficiency, nuclear type 1 (MC4DN1). Also called: Mitochondrial complex IV deficiency; Complex 4 mitochondrial respiratory chain deficiency; Deficiency of mitochondrial respiratory chain complex4; Complex IV deficiency; COX DEFICIENCY. Identifiers: MedGen C5435656, MONDO:0700250, OMIM 220110. Disease mechanism: loss of function.

Allele frequency attached by ClinVar (database versions not stated): TOPMed 0.00836; 1000 Genomes Project 0.01018; 1000 Genomes Project 30x 0.01124.

Submission:

Illumina Laboratory Services, Illumina
Classification: Likely benign for Mitochondrial complex IV deficiency, nuclear type 1. Last evaluated: 2018-01-12. Review status: criteria provided, single submitter. Criteria: ICSL Variant Classification Criteria 13 December 2019. Collection method: clinical testing. Allele origin: germline.
Comment: This variant was observed in the ICSL laboratory as part of a predisposition screen in an ostensibly healthy population. It had not been previously curated by ICSL or reported in the Human Gene Mutation Database (HGMD: prior to June 1st, 2018), and was therefore a candidate for classification through an automated scoring system. Utilizing variant allele frequency, disease prevalence and penetrance estimates, and inheritance mode, an automated score was calculated to assess if this variant is too frequent to cause the disease. Based on the score and internal cut-off values, a variant classified as likely benign is not then subjected to further curation. The score for this variant resulted in a classification of likely benign for this disease.

NM_001136193.2(FASTKD2):c.*3677G>T

Gene: FASTKD2 (FAST kinase domains 2; plus strand). Cytogenetic location: 2q33.3.
Variant type: single nucleotide variant.
Coding change: c.*3677G>T on transcript NM_001136193.2 (MANE Select); 3677 bases downstream of the stop codon, G replaced by T.
Molecular consequence: 3 prime UTR variant.
Genome position (GRCh38, 1-based): chr2:206,795,479, G>T. VCF-style: chr2-206795479-G-T. GRCh37 (hg19) VCF-style: chr2-207660203-G-T.
Other names: c.*3677G>T (NM_001136194.2, NM_014929.4).
Identifiers: ClinVar variation 897104 (VCV000897104.4), dbSNP rs115714249, ClinGen allele CA63735408.